The following is an entry in ClinVar:

NM_020778.5(ALPK3):c.1573C>G (p.Pro525Ala)

Genes: ALPK3 (alpha kinase 3; plus strand), LOC111718493 (skeletal muscle cis-regulatory module overlapping ALPK3; plus strand). Cytogenetic location: 15q25.3.
Variant type: single nucleotide variant.
Coding change: c.1573C>G on transcript NM_020778.5 (MANE Select); coding-DNA position 1573, C replaced by G.
Protein change: p.Pro525Ala; replaces proline 525 with alanine.
Molecular consequence: missense variant.
Genome position (GRCh38, 1-based): chr15:84,840,852, C>G. VCF-style: chr15-84840852-C-G. GRCh37 (hg19) VCF-style: chr15-85384083-C-G.
Other names: short protein forms P525A.
Identifiers: ClinVar variation 2624480 (VCV002624480.2), dbSNP rs371508772, ClinGen allele CA393375989.

ClinVar aggregate classification (germline): Uncertain significance (1 of 4 stars; one submission).

Conditions:
Cardiovascular phenotype. Identifiers: MedGen CN230736.

Submission:

Ambry Genetics
Classification: Uncertain significance for Cardiovascular phenotype. Last evaluated: 2023-09-10. Review status: criteria provided, single submitter. Criteria: Ambry Variant Classification Scheme 2023. Collection method: clinical testing. Allele origin: germline.
Comment: The p.P727A variant (also known as c.2179C>G), located in coding exon 5 of the ALPK3 gene, results from a C to G substitution at nucleotide position 2179. The proline at codon 727 is replaced by alanine, an amino acid with highly similar properties. This amino acid position is conserved. In addition, this alteration is predicted to be tolerated by in silico analysis. Since supporting evidence is limited at this time, the clinical significance of this alteration remains unclear.